The following is an entry in ClinVar:

NM_002471.4(MYH6):c.1727C>T (p.Ala576Val)

Gene: MYH6 (myosin heavy chain 6; minus strand). Cytogenetic location: 14q11.2.
Variant type: single nucleotide variant.
Coding change: c.1727C>T on transcript NM_002471.4 (MANE Select); coding-DNA position 1727, C replaced by T.
Protein change: p.Ala576Val; replaces alanine 576 with valine.
Molecular consequence: missense variant.
Genome position (GRCh38, 1-based): chr14:23,398,892, G>A on the plus strand (C>T on the coding strand, the complement: MYH6 is on the minus strand). VCF-style: chr14-23398892-G-A. GRCh37 (hg19) VCF-style: chr14-23868101-G-A.
Other names: short protein forms A576V.
Identifiers: ClinVar variation 3876460 (VCV003876460.1).

ClinVar aggregate classification (germline): Uncertain significance (1 of 4 stars; one submission).

Conditions:
Cardiovascular phenotype. Identifiers: MedGen CN230736.

gnomAD v4.1: 4 of 1,614,028 alleles (0.00025%); highest among the groups gnomAD compares: Admixed American, 0.0017%; no homozygotes.

Submission:

Ambry Genetics
Classification: Uncertain significance for Cardiovascular phenotype. Last evaluated: 2025-02-22. Review status: criteria provided, single submitter. Criteria: Ambry Variant Classification Scheme 2023. Collection method: clinical testing. Allele origin: germline.
Comment: The p.A576V variant (also known as c.1727C>T), located in coding exon 13 of the MYH6 gene, results from a C to T substitution at nucleotide position 1727. The alanine at codon 576 is replaced by valine, an amino acid with similar properties. This amino acid position is conserved. In addition, this alteration is predicted to be deleterious by in silico analysis. Based on the available evidence, the clinical significance of this variant remains unclear.